The following is an entry in ClinVar:

NM_000285.4(PEPD):c.853G>A (p.Ala285Thr)

Gene: PEPD (peptidase D; minus strand). Cytogenetic location: 19q13.11.
Variant type: single nucleotide variant.
Coding change: c.853G>A on transcript NM_000285.4 (MANE Select); coding-DNA position 853, G replaced by A.
Protein change: p.Ala285Thr; replaces alanine 285 with threonine.
Molecular consequence: missense variant.
Genome position (GRCh38, 1-based): chr19:33,401,835, C>T on the plus strand (G>A on the coding strand, the complement: PEPD is on the minus strand). VCF-style: chr19-33401835-C-T. GRCh37 (hg19) VCF-style: chr19-33892741-C-T.
Other names: c.730G>A, p.Ala244Thr (NM_001166056.2); c.661G>A, p.Ala221Thr (NM_001166057.2); c.853G>A (NM_000285.3); short protein forms A285T, A244T, A221T.
Identifiers: ClinVar variation 1439768 (VCV001439768.8), dbSNP rs767798921, ClinGen allele CA9364095.
Genomic context (GRCh38, chr19:33,401,835, plus strand): 5'-CGGCCTTCTGGTCTGCAGTGAACTTGCCGTTGGCGGGAAAGGAGCAGGTGATGTCGGAAG[C>T]GAAGCAGTAATACTCACCGCCCATGTCGAACAGGCTGCGGAGAGAGGAAGGCAGGGCAAG-3'
Protein context (NP_000276.2, residues 275-295): FDMGGEYYCF[Ala285Thr]SDITCSFPAN

ClinVar aggregate classification (germline): Uncertain significance. Review status: criteria provided, multiple submitters, no conflicts (2 of 4 stars). 2 submissions from 2 submitters: Uncertain significance (2). Last evaluated 2024-09-30.

Conditions:
Inborn genetic diseases. Identifiers: MedGen C0950123, MeSH D030342.

Allele frequency attached by ClinVar (database versions not stated): gnomAD 0.00001; gnomAD exomes 0.00002 and 0.00004; TOPMed 0.00002; ExAC 0.00005; 1000 Genomes Project 30x 0.00016.
gnomAD v4.1: 26 of 1,613,240 alleles (0.0016%); highest among the groups gnomAD compares: South Asian, 0.013%; no homozygotes.

Submissions (2):

Labcorp Genetics (formerly Invitae), Labcorp
Classification: Uncertain significance. Last evaluated: 2024-09-30. Review status: criteria provided, single submitter. Criteria: Invitae Variant Classification Sherloc (09022015). Collection method: clinical testing. Allele origin: germline.
Comment: This sequence change replaces alanine, which is neutral and non-polar, with threonine, which is neutral and polar, at codon 285 of the PEPD protein (p.Ala285Thr). This variant is present in population databases (rs767798921, gnomAD 0.02%). This variant has not been reported in the literature in individuals affected with PEPD-related conditions. ClinVar contains an entry for this variant (Variation ID: 1439768). Invitae Evidence Modeling of protein sequence and biophysical properties (such as structural, functional, and spatial information, amino acid conservation, physicochemical variation, residue mobility, and thermodynamic stability) indicates that this missense variant is not expected to disrupt PEPD protein function with a negative predictive value of 80%. In summary, the available evidence is currently insufficient to determine the role of this variant in disease. Therefore, it has been classified as a Variant of Uncertain Significance.

Ambry Genetics
Classification: Uncertain significance for Inborn genetic diseases. Last evaluated: 2023-12-07. Review status: criteria provided, single submitter. Criteria: Ambry Variant Classification Scheme 2023. Collection method: clinical testing. Allele origin: germline.